The following is an entry in ClinVar:

NM_001099287.2(NIPAL4):c.779G>A (p.Arg260Gln)

Gene: NIPAL4 (NIPA like domain containing 4; plus strand). Cytogenetic location: 5q33.3.
Variant type: single nucleotide variant.
Coding change: c.779G>A on transcript NM_001099287.2 (MANE Select); coding-DNA position 779, G replaced by A.
Protein change: p.Arg260Gln; replaces arginine 260 with glutamine.
Molecular consequence: missense variant.
Genome position (GRCh38, 1-based): chr5:157,472,524, G>A. VCF-style: chr5-157472524-G-A. GRCh37 (hg19) VCF-style: chr5-156899532-G-A.
Other names: c.722G>A, p.Arg241Gln (NM_001172292.2); short protein forms R241Q, R303Q, R260Q.
Identifiers: ClinVar variation 2402887 (VCV002402887.23), dbSNP rs372279928, ClinGen allele CA3534732.
Genomic context (GRCh38, chr5:157,472,524, plus strand): 5'-CTGCTGTCAAGGGGCTGGGCATCACCATCAAGAACTTCTTCCAGGGGCTGCCAGTTGTCC[G>A]GCACCCGCTCCCCTACATCCTGTCCCTCATCCTGGCACTGTCCCTCAGCACTCAGGTCAA-3'
Protein context (NP_001092757.2, residues 250-270): KNFFQGLPVV[Arg260Gln]HPLPYILSLI

ClinVar aggregate classification (germline): Uncertain significance. Review status: criteria provided, multiple submitters, no conflicts (2 of 4 stars). 2 submissions from 2 submitters: Uncertain significance (2). Last evaluated 2025-01-22.

Conditions:
Inborn genetic diseases. Identifiers: MedGen C0950123, MeSH D030342.

Allele frequency attached by ClinVar (database versions not stated): gnomAD 0.00003; TOPMed 0.00005; ExAC 0.00007; gnomAD exomes 0.00007; ESP Exome Variant Server 0.00008.
gnomAD v4.1: 113 of 1,613,646 alleles (0.007%); highest among the groups gnomAD compares: Non-Finnish European, 0.0086%; no homozygotes.

Submissions (2):

Ambry Genetics
Classification: Uncertain significance for Inborn genetic diseases. Last evaluated: 2025-01-22. Review status: criteria provided, single submitter. Criteria: Ambry Variant Classification Scheme 2023. Collection method: clinical testing. Allele origin: germline.

CeGaT Center for Human Genetics Tuebingen
Classification: Uncertain significance. Last evaluated: 2024-04-01. Review status: criteria provided, single submitter. Criteria: CeGaT Center For Human Genetics Tuebingen Variant Classification Criteria Version 2. Collection method: clinical testing. Allele origin: germline. Affected: yes. Observed: 1 variant allele.
Comment: NIPAL4: PM2, BP4